The following is an entry in ClinVar:

NM_004369.4(COL6A3):c.8156T>C (p.Ile2719Thr)

Gene: COL6A3 (collagen type VI alpha 3 chain; minus strand). Cytogenetic location: 2q37.3.
Variant type: single nucleotide variant.
Coding change: c.8156T>C on transcript NM_004369.4 (MANE Select); coding-DNA position 8156, T replaced by C.
Protein change: p.Ile2719Thr; replaces isoleucine 2719 with threonine.
Molecular consequence: missense variant.
Genome position (GRCh38, 1-based): chr2:237,340,760, A>G on the plus strand (T>C on the coding strand, the complement: COL6A3 is on the minus strand). VCF-style: chr2-237340760-A-G. GRCh37 (hg19) VCF-style: chr2-238249403-A-G.
Other names: c.7538T>C, p.Ile2513Thr (NM_057167.4); c.6335T>C, p.Ile2112Thr (NM_057166.5); short protein forms I2719T, I2112T, I2513T.
Identifiers: ClinVar variation 3015187 (VCV003015187.4), dbSNP rs752450810, ClinGen allele CA2187615.
Genomic context (GRCh38, chr2:237,340,760, plus strand): 5'-ACAATTTTCAGGTCCCGTGGGTTTGGGGCACTTTCAAAGACATTCTCTATGGTGTATTCA[A>G]TGGCACTGCCTAAGGCCCTGGTTCCCTGCAACTGTGTCATTCCCCTGCTGAGGAAGTCCA-3'
Protein context (NP_004360.2, residues 2709-2729): LQGTRALGSA[Ile2719Thr]EYTIENVFES

ClinVar aggregate classification (germline): Uncertain significance. Review status: criteria provided, multiple submitters, no conflicts (2 of 4 stars). 2 submissions from 2 submitters: Uncertain significance (2). Last evaluated 2025-12-09.

Conditions:
Inborn genetic diseases. Identifiers: MedGen C0950123, MeSH D030342.
Bethlem myopathy 1A. Also called: MYOPATHY, BENIGN CONGENITAL, WITH CONTRACTURES; Bethlem myopathy 1; Bethlem Muscular Dystrophy. Identifiers: Orphanet 610, MedGen CN029274, MONDO:0024530, OMIM 158810.

Allele frequency attached by ClinVar (database versions not stated): gnomAD exomes below 0.00001; ExAC 0.00001; TOPMed 0.00001; gnomAD 0.00002.
gnomAD v4.1: 4 of 1,614,036 alleles (0.00025%); highest among the groups gnomAD compares: African/African-American, 0.004%; no homozygotes.

Submissions (2):

Ambry Genetics
Classification: Uncertain significance for Inborn genetic diseases. Last evaluated: 2025-12-09. Review status: criteria provided, single submitter. Criteria: Ambry Variant Classification Scheme 2023. Collection method: clinical testing. Allele origin: germline.

Labcorp Genetics (formerly Invitae), Labcorp
Classification: Uncertain significance for Bethlem myopathy 1A. Last evaluated: 2023-09-22. Review status: criteria provided, single submitter. Criteria: Invitae Variant Classification Sherloc (09022015). Collection method: clinical testing. Allele origin: germline.
Comment: This sequence change replaces isoleucine, which is neutral and non-polar, with threonine, which is neutral and polar, at codon 2719 of the COL6A3 protein (p.Ile2719Thr). This variant is present in population databases (rs752450810, gnomAD 0.007%). This variant has not been reported in the literature in individuals affected with COL6A3-related conditions. Advanced modeling of protein sequence and biophysical properties (such as structural, functional, and spatial information, amino acid conservation, physicochemical variation, residue mobility, and thermodynamic stability) performed at Invitae indicates that this missense variant is expected to disrupt COL6A3 protein function. In summary, the available evidence is currently insufficient to determine the role of this variant in disease. Therefore, it has been classified as a Variant of Uncertain Significance.